The following is an entry in ClinVar:

ClinVar aggregate classification (germline): Pathogenic. Review status: criteria provided, multiple submitters, no conflicts (2 of 4 stars). 3 submissions from 3 submitters: Pathogenic (3). Last evaluated 2025-02-04.

Conditions:
Finnish congenital nephrotic syndrome (NPHS1). Also called: NEPHROTIC SYNDROME, TYPE 1. Identifiers: Orphanet 839, MedGen C0403399, MONDO:0009732, OMIM 256300.

Allele frequency attached by ClinVar (database versions not stated): gnomAD 0.00001; gnomAD exomes 0.00001; ExAC 0.00005; ESP Exome Variant Server 0.00008.
gnomAD v4.1: 15 of 1,596,432 alleles (0.00094%); highest among the groups gnomAD compares: Non-Finnish European, 0.0013%; no homozygotes.

Submissions (3):

Natera, Inc.
Classification: Pathogenic for Finnish congenital nephrotic syndrome. Last evaluated: 2025-02-04. Review status: criteria provided, single submitter. Criteria: Natera Variant Classification Schema (03/2026). Collection method: clinical testing. Allele origin: germline.
Comment: The c.1531C>T variant in NPHS1 is a nonsense variant predicted to introduce a stop codon at amino acid 511. This variant is expected to result in nonsense mediated decay, truncation, or a dysfunctional protein product. This variant is rare in the general population with a frequency below the threshold expected for the associated phenotype(s). This variant has been observed in one or more individuals affected with the associated recessive disease, as either homozygous or compound heterozygous with a second variant (PMID: 34859019). Given the available evidence, this variant is classified as Pathogenic.

Fulgent Genetics
Classification: Pathogenic for Finnish congenital nephrotic syndrome. Last evaluated: 2024-03-07. Review status: criteria provided, single submitter. Criteria: ACMG Guidelines, 2015. Collection method: clinical testing. Allele origin: germline.

Labcorp Genetics (formerly Invitae), Labcorp
Classification: Pathogenic. Last evaluated: 2022-08-27. Review status: criteria provided, single submitter. Criteria: Invitae Variant Classification Sherloc (09022015). Collection method: clinical testing. Allele origin: germline.
Comment: For these reasons, this variant has been classified as Pathogenic. This variant has not been reported in the literature in individuals affected with NPHS1-related conditions. The frequency data for this variant in the population databases is considered unreliable, as metrics indicate poor data quality at this position in the gnomAD database. This sequence change creates a premature translational stop signal (p.Arg511*) in the NPHS1 gene. It is expected to result in an absent or disrupted protein product. Loss-of-function variants in NPHS1 are known to be pathogenic (PMID: 11317351, 11854170, 12039988).

Literature cited by the submitters: PubMed 34859019 (cited by Natera, Inc.); PubMed 11317351 (cited by Labcorp Genetics (formerly Invitae), Labcorp); PubMed 11854170 (cited by Labcorp Genetics (formerly Invitae), Labcorp); PubMed 12039988 (cited by Labcorp Genetics (formerly Invitae), Labcorp).

NM_004646.4(NPHS1):c.1531C>T (p.Arg511Ter)

Gene: NPHS1 (NPHS1 adhesion molecule, nephrin; minus strand). Cytogenetic location: 19q13.12.
Variant type: single nucleotide variant.
Coding change: c.1531C>T on transcript NM_004646.4 (MANE Select); coding-DNA position 1531, C replaced by T.
Protein change: p.Arg511Ter; replaces arginine 511 with a stop codon.
Molecular consequence: nonsense.
Genome position (GRCh38, 1-based): chr19:35,846,104, G>A on the plus strand (C>T on the coding strand, the complement: NPHS1 is on the minus strand). VCF-style: chr19-35846104-G-A. GRCh37 (hg19) VCF-style: chr19-36337006-G-A.
Other names: short protein forms R511*.
Identifiers: ClinVar variation 1915112 (VCV001915112.9), dbSNP rs138852882, ClinGen allele CA9390400.